The following is an entry in ClinVar:

ClinVar aggregate classification (germline): Uncertain significance (1 of 4 stars; one submission).

Allele frequency attached by ClinVar (database versions not stated): ExAC 0.00001; gnomAD exomes 0.00002; TOPMed 0.00002.
gnomAD v4.1: 12 of 1,614,066 alleles (0.00074%); highest among the groups gnomAD compares: East Asian, 0.0045%; no homozygotes.

Submission:

Labcorp Genetics (formerly Invitae), Labcorp
Classification: Uncertain significance. Last evaluated: 2022-05-05. Review status: criteria provided, single submitter. Criteria: Invitae Variant Classification Sherloc (09022015). Collection method: clinical testing. Allele origin: germline.
Comment: In summary, the available evidence is currently insufficient to determine the role of this variant in disease. Therefore, it has been classified as a Variant of Uncertain Significance. Algorithms developed to predict the effect of missense changes on protein structure and function are either unavailable or do not agree on the potential impact of this missense change (SIFT: "Not Available"; PolyPhen-2: "Benign"; Align-GVGD: "Not Available"). This variant has not been reported in the literature in individuals affected with PDSS1-related conditions. This variant is present in population databases (rs771476505, gnomAD 0.0009%). This sequence change replaces glutamic acid, which is acidic and polar, with lysine, which is basic and polar, at codon 390 of the PDSS1 protein (p.Glu390Lys).

NM_014317.5(PDSS1):c.1168G>A (p.Glu390Lys)

Gene: PDSS1 (decaprenyl diphosphate synthase subunit 1; plus strand). Cytogenetic location: 10p12.1.
Variant type: single nucleotide variant.
Coding change: c.1168G>A on transcript NM_014317.5 (MANE Select); coding-DNA position 1168, G replaced by A.
Protein change: p.Glu390Lys; replaces glutamic acid 390 with lysine.
Molecular consequence: missense variant. On other transcripts: 3 prime UTR variant (1).
Genome position (GRCh38, 1-based): chr10:26,746,393, G>A. VCF-style: chr10-26746393-G-A. GRCh37 (hg19) VCF-style: chr10-27035322-G-A.
Other names: c.*56G>A (NM_001321978.2); c.658G>A, p.Glu220Lys (NM_001321979.2); short protein forms E390K, E220K.
Identifiers: ClinVar variation 1905673 (VCV001905673.3), dbSNP rs771476505, ClinGen allele CA5447164.
Genomic context (GRCh38, chr10:26,746,393, plus strand): 5'-AGTGATGGTGTGCAACAAACAACCTACCTCGCCCAGCAGTACTGCCATGAAGCAATAAGA[G>A]AGATCAGTAAACTTCGACCATCCCCAGAAAGAGATGCCCTCATTCAGCTTTCAGAAATTG-3'
Protein context (NP_055132.2, residues 380-400): AQQYCHEAIR[Glu390Lys]ISKLRPSPER